The following is an entry in ClinVar:

ClinVar aggregate classification (germline): Uncertain significance (1 of 4 stars; one submission).

Conditions:
Familial hemophagocytic lymphohistiocytosis 2 (FHL2). Also called: PRF1-Related Familial Hemophagocytic Lymphohistiocytosis (PRF1-fHLH). Identifiers: Orphanet 540, MedGen C1863727, MONDO:0011337, OMIM 603553.

Allele frequency attached by ClinVar (database versions not stated): gnomAD exomes below 0.00001; gnomAD 0.00001; TOPMed 0.00001.

Submission:

Labcorp Genetics (formerly Invitae), Labcorp
Classification: Uncertain significance for Familial hemophagocytic lymphohistiocytosis 2. Last evaluated: 2026-01-19. Review status: criteria provided, single submitter. Criteria: Invitae Variant Classification Sherloc (09022015). Collection method: clinical testing. Allele origin: germline.
Comment: This sequence change replaces alanine, which is neutral and non-polar, with valine, which is neutral and non-polar, at codon 196 of the PRF1 protein (p.Ala196Val). This variant is not present in population databases (gnomAD no frequency). This missense change has been observed in individual(s) with hemophagocytic lymphohistiocytosis (PMID: 30899265). ClinVar contains an entry for this variant (Variation ID: 2777929). Invitae Evidence Modeling of protein sequence and biophysical properties (such as structural, functional, and spatial information, amino acid conservation, physicochemical variation, residue mobility, and thermodynamic stability) indicates that this missense variant is expected to disrupt PRF1 protein function with a positive predictive value of 95%. In summary, the available evidence is currently insufficient to determine the role of this variant in disease. Therefore, it has been classified as a Variant of Uncertain Significance.

Literature cited by the submitters: PubMed 30899265.

NM_001083116.3(PRF1):c.587C>T (p.Ala196Val)

Gene: PRF1 (perforin 1; minus strand). Cytogenetic location: 10q22.1.
Variant type: single nucleotide variant.
Coding change: c.587C>T on transcript NM_001083116.3 (MANE Select); coding-DNA position 587, C replaced by T.
Protein change: p.Ala196Val; replaces alanine 196 with valine.
Molecular consequence: missense variant.
Genome position (GRCh38, 1-based): chr10:70,599,134, G>A on the plus strand (C>T on the coding strand, the complement: PRF1 is on the minus strand). VCF-style: chr10-70599134-G-A. GRCh37 (hg19) VCF-style: chr10-72358890-G-A.
Other names: c.587C>T, p.Ala196Val (NM_005041.6); short protein forms A196V.
Identifiers: ClinVar variation 2777929 (VCV002777929.3), dbSNP rs990141845, ClinGen allele CA209368374.